The following is an entry in ClinVar:

ClinVar aggregate classification (germline): Uncertain significance. Review status: criteria provided, multiple submitters, no conflicts (2 of 4 stars). 2 submissions from 2 submitters: Uncertain significance (2). Last evaluated 2025-12-15.

Conditions:
2-aminoadipic 2-oxoadipic aciduria (AAKAD). Also called: ALPHA-AMINOADIPIC AND ALPHA-KETOADIPIC ACIDURIA; Aminoadipic aciduria. Identifiers: Orphanet 79154, MedGen C1859817, MONDO:0008774, OMIM 204750.

Allele frequency attached by ClinVar (database versions not stated): TOPMed below 0.00001; ExAC 0.00002; gnomAD exomes 0.00002.
gnomAD v4.1: 9 of 1,613,332 alleles (0.00056%); highest among the groups gnomAD compares: East Asian, 0.0089%; no homozygotes.

Submissions (2):

Labcorp Genetics (formerly Invitae), Labcorp
Classification: Uncertain significance for 2-aminoadipic 2-oxoadipic aciduria. Last evaluated: 2025-12-15. Review status: criteria provided, single submitter. Criteria: Invitae Variant Classification Sherloc (09022015). Collection method: clinical testing. Allele origin: germline.
Comment: This sequence change replaces serine, which is neutral and polar, with cysteine, which is neutral and slightly polar, at codon 3 of the DHTKD1 protein (p.Ser3Cys). This variant is present in population databases (rs765392621, gnomAD 0.02%). This variant has not been reported in the literature in individuals affected with DHTKD1-related conditions. ClinVar contains an entry for this variant (Variation ID: 1163325). Experimental studies and prediction algorithms are not available or were not evaluated, and the functional significance of this variant is currently unknown. In summary, the available evidence is currently insufficient to determine the role of this variant in disease. Therefore, it has been classified as a Variant of Uncertain Significance.

Mayo Clinic Laboratories, Mayo Clinic
Classification: Uncertain significance. Last evaluated: 2020-06-11. Review status: criteria provided, single submitter. Criteria: ACMG Guidelines, 2015. Collection method: clinical testing. Allele origin: germline. Observed: 1 variant allele.

NM_018706.7(DHTKD1):c.8C>G (p.Ser3Cys)

Gene: DHTKD1 (dehydrogenase E1 and transketolase domain containing 1; plus strand). Cytogenetic location: 10p14.
Variant type: single nucleotide variant.
Coding change: c.8C>G on transcript NM_018706.7 (MANE Select); coding-DNA position 8, C replaced by G.
Protein change: p.Ser3Cys; replaces serine 3 with cysteine.
Molecular consequence: missense variant.
Genome position (GRCh38, 1-based): chr10:12,069,041, C>G. VCF-style: chr10-12069041-C-G. GRCh37 (hg19) VCF-style: chr10-12111040-C-G.
Other names: short protein forms S3C.
Identifiers: ClinVar variation 1163325 (VCV001163325.10), dbSNP rs765392621, ClinGen allele CA5407407.